The following is an entry in ClinVar:

ClinVar aggregate classification (germline): Uncertain significance. Review status: criteria provided, multiple submitters, no conflicts (2 of 4 stars). 3 submissions from 3 submitters: Uncertain significance (3). Last evaluated 2025-12-02.

Conditions:
ABCC6-related disorder. Also called: ABCC6-related condition.
Inborn genetic diseases. Identifiers: MedGen C0950123, MeSH D030342.

gnomAD v4.1: 7 of 1,613,926 alleles (0.00043%); highest among the groups gnomAD compares: Admixed American, 0.0067%; no homozygotes.

Submissions (3):

Ambry Genetics
Classification: Uncertain significance for Inborn genetic diseases. Last evaluated: 2025-12-02. Review status: criteria provided, single submitter. Criteria: Ambry Variant Classification Scheme 2023. Collection method: clinical testing. Allele origin: germline.

PreventionGenetics, part of Exact Sciences
Classification: Uncertain significance for ABCC6-related condition. Last evaluated: 2025-01-28. Review status: criteria provided, single submitter. Criteria: ACMG Guidelines, 2015. Collection method: clinical testing. Allele origin: germline.
Comment: The ABCC6 c.1957G>T variant is predicted to result in the amino acid substitution p.Val653Leu. To our knowledge, this variant has not been reported in the literature. An alternate substitution of this amino acid (p.Val653Glu) has been reported in a cohort study of pseudoxanthoma elasticum (Table S2, Legrand et al. 2017. PubMed ID: 28102862). This variant is present in 0.0029% of alleles in individuals of Latino descent in gnomAD. At this time, the clinical significance of this variant is uncertain due to the absence of conclusive functional and genetic evidence.

Blueprint Genetics
Classification: Uncertain significance. Last evaluated: 2023-10-20. Review status: criteria provided, single submitter. Criteria: ACMG Guidelines, 2015. Collection method: clinical testing. Allele origin: germline.

NM_001171.6(ABCC6):c.1957G>T (p.Val653Leu)

Gene: ABCC6 (ATP binding cassette subfamily C member 6; minus strand). Cytogenetic location: 16p13.11.
Variant type: single nucleotide variant.
Coding change: c.1957G>T on transcript NM_001171.6 (MANE Select); coding-DNA position 1957, G replaced by T.
Protein change: p.Val653Leu; replaces valine 653 with leucine.
Molecular consequence: missense variant. On other transcripts: non-coding transcript variant (4).
Genome position (GRCh38, 1-based): chr16:16,182,917, C>A on the plus strand (G>T on the coding strand, the complement: ABCC6 is on the minus strand). VCF-style: chr16-16182917-C-A. GRCh37 (hg19) VCF-style: chr16-16276774-C-A.
Other names: c.1615G>T, p.Val539Leu (NM_001351800.1); c.1957G>T, p.Val653Leu (NM_001440309.1, NM_001440310.1); short protein forms V653L, V539L.
Identifiers: ClinVar variation 4564087 (VCV004564087.3).